The following is an entry in ClinVar:

ClinVar aggregate classification (germline): Uncertain significance. Review status: criteria provided, multiple submitters, no conflicts (2 of 4 stars). 3 submissions from 3 submitters: Uncertain significance (3). Last evaluated 2026-01-14.

Conditions:
Loeys-Dietz syndrome 2 (LDS2). Also called: Marfan syndrome, type 2 (formerly); TGFBR2-Related Loeys-Dietz Syndrome; Marfan Syndrome type 2; Marfan like connective tissue disorder; MFS 2; AORTIC ANEURYSM, FAMILIAL THORACIC 3. Identifiers: Orphanet 284973, Orphanet 558, MedGen C2674574, MONDO:0012427, OMIM 610168.

Allele frequency attached by ClinVar (database versions not stated): gnomAD 0.00001 and 0.00002; ExAC 0.00002; gnomAD exomes 0.00002 and 0.00007; TOPMed 0.00002.
gnomAD v4.1: 98 of 1,613,944 alleles (0.0061%); highest among the groups gnomAD compares: Non-Finnish European, 0.0081%; no homozygotes.

Submissions (3):

Labcorp Genetics (formerly Invitae), Labcorp
Classification: Uncertain significance for Loeys-Dietz syndrome 2. Last evaluated: 2026-01-14. Review status: criteria provided, single submitter. Criteria: Invitae Variant Classification Sherloc (09022015). Collection method: clinical testing. Allele origin: germline.
Comment: This sequence change replaces arginine, which is basic and polar, with glycine, which is neutral and non-polar, at codon 344 of the TMPO protein (p.Arg344Gly). This variant is present in population databases (rs754951098, gnomAD 0.004%). This variant has not been reported in the literature in individuals affected with TMPO-related conditions. ClinVar contains an entry for this variant (Variation ID: 574819). Invitae Evidence Modeling of protein sequence and biophysical properties (such as structural, functional, and spatial information, amino acid conservation, physicochemical variation, residue mobility, and thermodynamic stability) indicates that this missense variant is not expected to disrupt TMPO protein function with a negative predictive value of 80%. In summary, the available evidence is currently insufficient to determine the role of this variant in disease. Therefore, it has been classified as a Variant of Uncertain Significance.

Ambry Genetics
Classification: Uncertain significance. Last evaluated: 2023-10-10. Review status: criteria provided, single submitter. Criteria: Ambry Variant Classification Scheme 2023. Collection method: clinical testing. Allele origin: germline.
Comment: The p.R344G variant (also known as c.1030A>G), located in coding exon 4 of the TMPO gene, results from an A to G substitution at nucleotide position 1030. The arginine at codon 344 is replaced by glycine, an amino acid with dissimilar properties. This amino acid position is conserved. In addition, this alteration is predicted to be tolerated by in silico analysis. Since supporting evidence is limited at this time, the clinical significance of this alteration remains unclear.

GeneDx
Classification: Uncertain significance. Last evaluated: 2019-06-17. Review status: criteria provided, single submitter. Criteria: GeneDx Variant Classification Process June 2021. Collection method: clinical testing. Allele origin: germline. Affected: yes.
Comment: Has not been previously published as pathogenic or benign to our knowledge; Not observed at a significant frequency in large population cohorts (Lek et al., 2016); In silico analysis, which includes protein predictors and evolutionary conservation, supports that this variant does not alter protein structure/function

NM_001032283.3(TMPO):c.565+1449A>G

Gene: TMPO (thymopoietin; plus strand). Cytogenetic location: 12q23.1.
Variant type: single nucleotide variant.
Coding change: c.565+1449A>G on transcript NM_001032283.3 (MANE Select); 1449 bases into the intron after coding-DNA position 565, A replaced by G.
Molecular consequence: intron variant. On other transcripts: missense variant (1).
Genome position (GRCh38, 1-based): chr12:98,533,287, A>G. VCF-style: chr12-98533287-A-G. GRCh37 (hg19) VCF-style: chr12-98927065-A-G.
Other names: c.1030A>G, p.Arg344Gly (NM_003276.2); c.565+1449A>G (NM_001307975.2, NM_001032284.3); short protein forms R344G.
Identifiers: ClinVar variation 574819 (VCV000574819.12), dbSNP rs754951098, ClinGen allele CA6732343.